The following is an entry in ClinVar:

ClinVar aggregate classification (germline): Pathogenic (1 of 4 stars; one submission).

Conditions:
Primary ciliary dyskinesia. Also called: Ciliary dyskinesia. Identifiers: Orphanet 244, MedGen C0008780, MONDO:0016575, HP:0012265.

gnomAD v4.1: 2 of 1,613,890 alleles (0.00012%); highest among the groups gnomAD compares: Non-Finnish European, 0.00017%; no homozygotes.

Submission:

Labcorp Genetics (formerly Invitae), Labcorp
Classification: Pathogenic for Primary ciliary dyskinesia. Last evaluated: 2018-08-07. Review status: criteria provided, single submitter. Criteria: Invitae Variant Classification Sherloc (09022015). Collection method: clinical testing. Allele origin: germline.
Comment: This sequence change creates a premature translational stop signal (p.Glu1070*) in the DNAH11 gene. It is expected to result in an absent or disrupted protein product. This variant is not present in population databases (ExAC no frequency). This variant has not been reported in the literature in individuals with DNAH11-related disease. Loss-of-function variants in DNAH11 are known to be pathogenic (PMID: 18022865, 20513915, 22184204). For these reasons, this variant has been classified as Pathogenic.

Literature cited by the submitters: PubMed 18022865; PubMed 20513915; PubMed 22184204.

NM_001277115.2(DNAH11):c.3208G>T (p.Glu1070Ter)

Genes: DNAH11 (dynein axonemal heavy chain 11; plus strand), LOC126859961 (BRD4-independent group 4 enhancer GRCh37_chr7:21639662-21640861; plus strand). Cytogenetic location: 7p15.3.
Variant type: single nucleotide variant.
Coding change: c.3208G>T on transcript NM_001277115.2 (MANE Select); coding-DNA position 3208, G replaced by T.
Protein change: p.Glu1070Ter; replaces glutamic acid 1070 with a stop codon.
Molecular consequence: nonsense.
Genome position (GRCh38, 1-based): chr7:21,600,883, G>T. VCF-style: chr7-21600883-G-T. GRCh37 (hg19) VCF-style: chr7-21640501-G-T.
Other names: short protein forms E1070*.
Identifiers: ClinVar variation 654459 (VCV000654459.7), dbSNP rs949492765, ClinGen allele CA366945340.